The following is an entry in ClinVar:

NM_001035.3(RYR2):c.4503C>A (p.Asn1501Lys)

Gene: RYR2 (ryanodine receptor 2; plus strand). Cytogenetic location: 1q43.
Variant type: single nucleotide variant.
Coding change: c.4503C>A on transcript NM_001035.3 (MANE Select); coding-DNA position 4503, C replaced by A.
Protein change: p.Asn1501Lys; replaces asparagine 1501 with lysine.
Molecular consequence: missense variant.
Genome position (GRCh38, 1-based): chr1:237,595,564, C>A. VCF-style: chr1-237595564-C-A. GRCh37 (hg19) VCF-style: chr1-237758864-C-A.
Other names: p.N1501K:AAC>AAA; c.4503C>A, p.Asn1501Lys (LRG_402t1); short protein forms N1501K.
Identifiers: ClinVar variation 201246 (VCV000201246.5), dbSNP rs794728735, ClinGen allele CA009547.

ClinVar aggregate classification (germline): Conflicting classifications of pathogenicity. Review status: criteria provided, conflicting classifications (1 of 4 stars). 2 submissions from 2 submitters: Uncertain significance (1); Likely benign (1). Last evaluated 2023-11-22.

Conditions:
Catecholaminergic polymorphic ventricular tachycardia 1. Also called: RYR2-Related Catecholaminergic Polymorphic Ventricular Tachycardia; VENTRICULAR TACHYCARDIA, CATECHOLAMINERGIC POLYMORPHIC, 1, WITH OR WITHOUT ATRIAL DYSFUNCTION AND/OR DILATED CARDIOMYOPATHY; VENTRICULAR TACHYCARDIA, STRESS-INDUCED POLYMORPHIC 1. Identifiers: Orphanet 3286, MedGen C1631597, MONDO:0011484, OMIM 604772.

Allele frequency attached by ClinVar (database versions not stated): gnomAD exomes 0.00001.
gnomAD v4.1: 3 of 1,613,628 alleles (0.00019%); highest among the groups gnomAD compares: East Asian, 0.0067%; no homozygotes.

Submissions (2):

Labcorp Genetics (formerly Invitae), Labcorp
Classification: Likely benign for Catecholaminergic polymorphic ventricular tachycardia 1. Last evaluated: 2023-11-22. Review status: criteria provided, single submitter. Criteria: Invitae Variant Classification Sherloc (09022015). Collection method: clinical testing. Allele origin: germline.

GeneDx
Classification: Uncertain significance. Last evaluated: 2017-05-12. Review status: criteria provided, single submitter. Criteria: GeneDx Variant Classification (06012015). Collection method: clinical testing. Allele origin: germline. Affected: yes.
Comment: p.Asn1501Lys (AAC>AAA): c.4503 C>A in exon 34 of the RYR2 gene (NM_001035.2). The N1501K variant has not been published as a mutation, nor has it been reported as a benign polymorphism to our knowledge. The N1501K variant was not observed in approximately 6,300 individuals of European and African American ancestry in the NHLBI Exome Sequencing Project, indicating it is not a common benign variant in these populations. The N1501K variant is a semi-conservative amino acid substitution, which may impact secondary protein structure as these residues differ in some properties. This substitution occurs at a position that is not conserved across species. In silico analysis is inconsistent in its predictions as to whether or not the variant is damaging to the protein structure/function. Furthermore, no missense mutations in nearby residues have been reported in association with CPVT, indicating that this region of the protein may be tolerant of change. Therefore, based on the currently available information, it is unclear whether this variant is a pathogenic mutation or a rare benign variant. Catecholaminergic Polymorphic Ventricular Tachycardia (CPVT) is characterized by syncope, typically beginning in the first decade of life, which may be triggered by physical activity or intense emotion. In patients with CPVT, stress-induced release of catecholamines causes a dysfunction of the calcium-ion channel in the myocytes (De La Fuente et al., 2008; Napolitano C et al., 2012; Priori S et al., 2002). CPVT is primarily caused by autosomal dominant mutations in the RYR2 and KCNJ2 genes. Less commonly, CPVT is caused by autosomal recessive mutations in the CASQ2 gene (Napolitano C et al., 2012). Mutations in the CASQ2 gene have been reported in approximately 1-2% of patients with autosomal recessive CPVT (Napolitano C et al., 2012). Approximately 50% of patients with autosomal dominant CPVT have been reported to have a mutation in the RYR2 gene, while mutations in the RYR2 gene associated with ARVC are rare (McNally E et al., 2009; Napolitano C et al., 2012). The variant is found in CPVT panel(s).